The following is an entry in ClinVar:

ClinVar aggregate classification (germline): Uncertain significance (1 of 4 stars; one submission).

gnomAD v4.1: 2 of 1,614,162 alleles (0.00012%); highest among the groups gnomAD compares: Non-Finnish European, 0.00017%; no homozygotes.

Submission:

GeneDx
Classification: Uncertain significance. Last evaluated: 2025-07-10. Review status: criteria provided, single submitter. Criteria: GeneDx Variant Classification Process June 2021. Collection method: clinical testing. Allele origin: germline. Affected: yes.
Comment: Not observed at significant frequency in large population cohorts (gnomAD); In silico analysis supports that this missense variant has a deleterious effect on protein structure/function; Has not been previously published as pathogenic or benign to our knowledge

NM_000384.3(APOB):c.1964T>C (p.Ile655Thr)

Gene: APOB (apolipoprotein B; minus strand). Cytogenetic location: 2p24.1.
Variant type: single nucleotide variant.
Coding change: c.1964T>C on transcript NM_000384.3 (MANE Select); coding-DNA position 1964, T replaced by C.
Protein change: p.Ile655Thr; replaces isoleucine 655 with threonine.
Molecular consequence: missense variant.
Genome position (GRCh38, 1-based): chr2:21,027,931, A>G on the plus strand (T>C on the coding strand, the complement: APOB is on the minus strand). VCF-style: chr2-21027931-A-G. GRCh37 (hg19) VCF-style: chr2-21250803-A-G.
Other names: short protein forms I655T.
Identifiers: ClinVar variation 4685266 (VCV004685266.1).